The following is an entry in ClinVar:

ClinVar aggregate classification (germline): Uncertain significance (1 of 4 stars; one submission).

Conditions:
Hereditary cancer-predisposing syndrome. Also called: Neoplastic Syndromes, Hereditary; Tumor predisposition; Hereditary neoplastic syndrome; Hereditary Cancer Syndrome. Identifiers: Orphanet 140162, MedGen C0027672, MeSH D009386, MONDO:0015356.

Submission:

Ambry Genetics
Classification: Uncertain significance for Hereditary cancer-predisposing syndrome. Last evaluated: 2026-07-07. Review status: criteria provided, single submitter. Criteria: Ambry Variant Classification Scheme 2023. Collection method: clinical testing. Allele origin: germline.
Comment: The p.K13M variant (also known as c.38A>T), located in coding exon 1 of the SMARCB1 gene, results from an A to T substitution at nucleotide position 38. The lysine at codon 13 is replaced by methionine, an amino acid with similar properties. This amino acid position is conserved. In addition, the in silico prediction for this alteration is inconclusive. Based on the available evidence, the clinical significance of this variant remains unclear.

NM_003073.5(SMARCB1):c.38A>T (p.Lys13Met)

Gene: SMARCB1 (SWI/SNF related BAF chromatin remodeling complex subunit B1; plus strand). Cytogenetic location: 22q11.23.
Variant type: single nucleotide variant.
Coding change: c.38A>T on transcript NM_003073.5 (MANE Select); coding-DNA position 38, A replaced by T.
Protein change: p.Lys13Met; replaces lysine 13 with methionine.
Molecular consequence: missense variant.
Genome position (GRCh38, 1-based): chr22:23,787,207, A>T. VCF-style: chr22-23787207-A-T. GRCh37 (hg19) VCF-style: chr22-24129394-A-T.
Other names: c.38A>T, p.Lys13Met (NM_001007468.3, NM_001317946.2, NM_001362877.2); short protein forms K13M.
Identifiers: ClinVar variation 5029917 (VCV005029917.1).